The following is an entry in ClinVar:

ClinVar aggregate classification (germline): Uncertain significance (1 of 4 stars; one submission).

Conditions:
Cardiovascular phenotype. Identifiers: MedGen CN230736.

gnomAD v4.1: 1 of 1,550,396 alleles (0.000064%); highest among the groups gnomAD compares: Non-Finnish European, 0.000087%; no homozygotes.

Submission:

Ambry Genetics
Classification: Uncertain significance for Cardiovascular phenotype. Last evaluated: 2024-04-27. Review status: criteria provided, single submitter. Criteria: Ambry Variant Classification Scheme 2023. Collection method: clinical testing. Allele origin: germline.
Comment: The p.R269M variant (also known as c.806G>T), located in coding exon 1 of the ZNF469 gene, results from a G to T substitution at nucleotide position 806. The arginine at codon 269 is replaced by methionine, an amino acid with similar properties. This amino acid position is conserved. In addition, this alteration is predicted to be tolerated by in silico analysis. Based on the available evidence, the clinical significance of this variant remains unclear.

NM_001367624.2(ZNF469):c.806G>T (p.Arg269Met)

Gene: ZNF469 (zinc finger protein 469; plus strand). Cytogenetic location: 16q24.2.
Variant type: single nucleotide variant.
Coding change: c.806G>T on transcript NM_001367624.2 (MANE Select); coding-DNA position 806, G replaced by T.
Protein change: p.Arg269Met; replaces arginine 269 with methionine.
Molecular consequence: missense variant.
Genome position (GRCh38, 1-based): chr16:88,428,276, G>T. VCF-style: chr16-88428276-G-T. GRCh37 (hg19) VCF-style: chr16-88494684-G-T.
Other names: NM_001127464.1:c.806G>T; short protein forms R269M.
Identifiers: ClinVar variation 3258250 (VCV003258250.1).